The following is an entry in ClinVar:

ClinVar aggregate classification (germline): Likely benign (1 of 4 stars; one submission).

Conditions:
Schimke immuno-osseous dysplasia (SIOD). Also called: Schimke Immunoosseous Dysplasia. Identifiers: Orphanet 1830, MedGen C0877024, MONDO:0009458, OMIM 242900.

Allele frequency attached by ClinVar (database versions not stated): ESP Exome Variant Server 0.00163; gnomAD 0.00205 and 0.00215; 1000 Genomes Project 30x 0.00094; 1000 Genomes Project 0.00120; gnomAD exomes 0.00233 and 0.00312; TOPMed 0.00238; ExAC 0.00239.

Submission:

Illumina Laboratory Services, Illumina
Classification: Likely benign for Schimke immuno-osseous dysplasia. Last evaluated: 2018-01-12. Review status: criteria provided, single submitter. Criteria: ICSL Variant Classification Criteria 13 December 2019. Collection method: clinical testing. Allele origin: germline.
Comment: This variant was observed in the ICSL laboratory as part of a predisposition screen in an ostensibly healthy population. It had not been previously curated by ICSL or reported in the Human Gene Mutation Database (HGMD: prior to June 1st, 2018), and was therefore a candidate for classification through an automated scoring system. Utilizing variant allele frequency, disease prevalence and penetrance estimates, and inheritance mode, an automated score was calculated to assess if this variant is too frequent to cause the disease. Based on the score and internal cut-off values, a variant classified as likely benign is not then subjected to further curation. The score for this variant resulted in a classification of likely benign for this disease.

NM_014140.4(SMARCAL1):c.*30T>G

Gene: SMARCAL1 (SNF2 related chromatin remodeling annealing helicase 1; plus strand). Cytogenetic location: 2q35.
Variant type: single nucleotide variant.
Coding change: c.*30T>G on transcript NM_014140.4 (MANE Select); 30 bases downstream of the stop codon, T replaced by G.
Molecular consequence: 3 prime UTR variant.
Genome position (GRCh38, 1-based): chr2:216,483,007, T>G. VCF-style: chr2-216483007-T-G. GRCh37 (hg19) VCF-style: chr2-217347730-T-G.
Other names: c.*30T>G (NM_001127207.2).
Identifiers: ClinVar variation 334303 (VCV000334303.5), dbSNP rs186052380, ClinGen allele CA2098323.
Genomic context (GRCh38, chr2:216,483,007, plus strand): 5'-TAACTGGGACAGCTTTACGTCTCCCCTGTAAAAGGGGCAAAAAGAAAAAAATAAAAAGCA[T>G]TTTAAAATCATGGAATTGAAATAAAATAATGTATTTTGTTTTAAAACTTTTTGAGCTTCT-3'